The following is an entry in ClinVar:

NM_001614.5(ACTG1):c.753C>T (p.Gly251=)

Gene: ACTG1 (actin gamma 1; minus strand). Cytogenetic location: 17q25.3.
Variant type: single nucleotide variant.
Coding change: c.753C>T on transcript NM_001614.5 (MANE Select); coding-DNA position 753, C replaced by T.
Protein change: p.Gly251=; no amino-acid change (glycine 251 retained).
Molecular consequence: synonymous variant. On other transcripts: non-coding transcript variant (1).
Genome position (GRCh38, 1-based): chr17:81,511,237, G>A on the plus strand (C>T on the coding strand, the complement: ACTG1 is on the minus strand). VCF-style: chr17-81511237-G-A. GRCh37 (hg19) VCF-style: chr17-79478263-G-A.
Other names: c.753C>T, p.Gly251= (NM_001199954.3).
Identifiers: ClinVar variation 2149599 (VCV002149599.4), dbSNP rs1598548179, ClinGen allele CA502419308.

ClinVar aggregate classification (germline): Uncertain significance (1 of 4 stars; one submission).

Conditions:
Autosomal dominant nonsyndromic hearing loss 20. Identifiers: Orphanet 90635, MedGen C1858172, MONDO:0011480, OMIM 604717.
Baraitser-winter syndrome 2. Identifiers: Orphanet 2995, MedGen C3281235, MONDO:0013812, OMIM 614583.

Allele frequency attached by ClinVar (database versions not stated): gnomAD exomes below 0.00001.
gnomAD v4.1: 6 of 1,613,770 alleles (0.00037%); highest among the groups gnomAD compares: Non-Finnish European, 0.00017%; no homozygotes.

Submission:

Labcorp Genetics (formerly Invitae), Labcorp
Classification: Uncertain significance for Baraitser-winter syndrome 2; Autosomal dominant nonsyndromic hearing loss 20. Last evaluated: 2023-08-11. Review status: criteria provided, single submitter. Criteria: Invitae Variant Classification Sherloc (09022015). Collection method: clinical testing. Allele origin: germline.
Comment: In summary, the available evidence is currently insufficient to determine the role of this variant in disease. Therefore, it has been classified as a Variant of Uncertain Significance. Algorithms developed to predict the effect of sequence changes on RNA splicing suggest that this variant may create or strengthen a splice site. ClinVar contains an entry for this variant (Variation ID: 2149599). This variant has not been reported in the literature in individuals affected with ACTG1-related conditions. This variant is not present in population databases (gnomAD no frequency). This sequence change affects codon 251 of the ACTG1 mRNA. It is a 'silent' change, meaning that it does not change the encoded amino acid sequence of the ACTG1 protein.